The following is an entry in ClinVar:

NM_006904.7(PRKDC):c.2549A>G (p.Glu850Gly)

Gene: PRKDC (protein kinase, DNA-activated, catalytic subunit; minus strand). Cytogenetic location: 8q11.21.
Variant type: single nucleotide variant.
Coding change: c.2549A>G on transcript NM_006904.7 (MANE Select); coding-DNA position 2549, A replaced by G.
Protein change: p.Glu850Gly; replaces glutamic acid 850 with glycine.
Molecular consequence: missense variant.
Genome position (GRCh38, 1-based): chr8:47,915,396, T>C on the plus strand (A>G on the coding strand, the complement: PRKDC is on the minus strand). VCF-style: chr8-47915396-T-C. GRCh37 (hg19) VCF-style: chr8-48827956-T-C.
Other names: c.2549A>G, p.Glu850Gly (NM_001081640.2); short protein forms E850G.
Identifiers: ClinVar variation 3225800 (VCV003225800.1), dbSNP rs2551877080, ClinGen allele CA371159996.

ClinVar aggregate classification (germline): Uncertain significance (1 of 4 stars; one submission).

Allele frequency attached by ClinVar (database versions not stated): gnomAD exomes 0.00001.
gnomAD v4.1: 9 of 1,557,866 alleles (0.00058%); highest among the groups gnomAD compares: South Asian, 0.0012%; no homozygotes.

Submission:

Ambry Genetics
Classification: Uncertain significance. Last evaluated: 2023-12-11. Review status: criteria provided, single submitter. Criteria: Ambry Variant Classification Scheme 2023. Collection method: clinical testing. Allele origin: germline.
Comment: The p.E850G variant (also known as c.2549A>G), located in coding exon 23 of the PRKDC gene, results from an A to G substitution at nucleotide position 2549. The glutamic acid at codon 850 is replaced by glycine, an amino acid with similar properties. This amino acid position is conserved. In addition, this alteration is predicted to be tolerated by in silico analysis. Since supporting evidence is limited at this time, the clinical significance of this alteration remains unclear.